The following is an entry in ClinVar:

NM_016239.4(MYO15A):c.1630C>T (p.Arg544Cys)

Gene: MYO15A (myosin XVA; plus strand). Cytogenetic location: 17p11.2.
Variant type: single nucleotide variant.
Coding change: c.1630C>T on transcript NM_016239.4 (MANE Select); coding-DNA position 1630, C replaced by T.
Protein change: p.Arg544Cys; replaces arginine 544 with cysteine.
Molecular consequence: missense variant.
Genome position (GRCh38, 1-based): chr17:18,120,430, C>T. VCF-style: chr17-18120430-C-T. GRCh37 (hg19) VCF-style: chr17-18023744-C-T.
Other names: c.1630C>T (NM_016239.3); short protein forms R544C.
Identifiers: ClinVar variation 2065626 (VCV002065626.6), dbSNP rs371548876, ClinGen allele CA8423141.
Genomic context (GRCh38, chr17:18,120,430, plus strand): 5'-GCTGTGCCCTACGGCCACCCTTTCTGGGGCTTCCTCACGCCGCGCCAGCGCAACCTCCAG[C>T]GCGCGCTGTCGGCCTTCGGCGCCCACCGGGGCCTGGGCTTCGGCCCTGAGTTTGGCCGCC-3'
Protein context (NP_057323.3, residues 534-554): FLTPRQRNLQ[Arg544Cys]ALSAFGAHRG

ClinVar aggregate classification (germline): Conflicting classifications of pathogenicity. Review status: criteria provided, conflicting classifications (1 of 4 stars). 3 submissions from 3 submitters: Uncertain significance (1); Likely benign (2). Last evaluated 2026-03-20.

Conditions:
MYO15A-related disorder. Also called: MYO15A-related condition.

Allele frequency attached by ClinVar (database versions not stated): ESP Exome Variant Server 0.00008; gnomAD 0.00015; ExAC 0.00036; 1000 Genomes Project 0.00040; 1000 Genomes Project 30x 0.00047.
gnomAD v4.1: 179 of 1,592,148 alleles (0.011%); highest among the groups gnomAD compares: Middle Eastern, 0.086%; no homozygotes.

Submissions (3):

PreventionGenetics, part of Exact Sciences
Classification: Likely benign for MYO15A-related condition. Last evaluated: 2026-03-20. Review status: criteria provided, single submitter. Criteria: ACMG Guidelines, 2015. Collection method: clinical testing. Allele origin: germline.
Comment: This variant is classified as likely benign based on ACMG/AMP sequence variant interpretation guidelines (Richards et al. 2015 PMID: 25741868, with internal and published modifications).

Labcorp Genetics (formerly Invitae), Labcorp
Classification: Likely benign. Last evaluated: 2026-01-28. Review status: criteria provided, single submitter. Criteria: Invitae Variant Classification Sherloc (09022015). Collection method: clinical testing. Allele origin: germline.

GeneDx
Classification: Uncertain significance. Last evaluated: 2023-09-10. Review status: criteria provided, single submitter. Criteria: GeneDx Variant Classification Process June 2021. Collection method: clinical testing. Allele origin: germline. Affected: yes.
Comment: In silico analysis supports that this missense variant does not alter protein structure/function; Has not been previously published as pathogenic or benign to our knowledge